The following is an entry in ClinVar:

NM_130466.4(UBE3B):c.551G>C (p.Ser184Thr)

Gene: UBE3B (ubiquitin protein ligase E3B; plus strand). Cytogenetic location: 12q24.11.
Variant type: single nucleotide variant.
Coding change: c.551G>C on transcript NM_130466.4 (MANE Select); coding-DNA position 551, G replaced by C.
Protein change: p.Ser184Thr; replaces serine 184 with threonine.
Molecular consequence: missense variant.
Genome position (GRCh38, 1-based): chr12:109,489,925, G>C. VCF-style: chr12-109489925-G-C. GRCh37 (hg19) VCF-style: chr12-109927730-G-C.
Other names: c.551G>C, p.Ser184Thr (NM_001270449.2, NM_001270450.2, NM_001270451.2 and 1 more transcripts); short protein forms S184T.
Identifiers: ClinVar variation 3026248 (VCV003026248.22), dbSNP rs763874814, ClinGen allele CA6777568.

ClinVar aggregate classification (germline): Uncertain significance (1 of 4 stars; one submission).

Allele frequency attached by ClinVar (database versions not stated): TOPMed below 0.00001; gnomAD 0.00001; gnomAD exomes 0.00001; ExAC 0.00002.
gnomAD v4.1: 16 of 1,614,018 alleles (0.00099%); highest among the groups gnomAD compares: African/African-American, 0.0013%; no homozygotes.

Submission:

CeGaT Center for Human Genetics Tuebingen
Classification: Uncertain significance. Last evaluated: 2023-12-01. Review status: criteria provided, single submitter. Criteria: CeGaT Center For Human Genetics Tuebingen Variant Classification Criteria Version 2. Collection method: clinical testing. Allele origin: germline. Affected: yes. Observed: 1 variant allele.
Comment: UBE3B: PM2, BP4